The following is an entry in ClinVar:

NM_006031.6(PCNT):c.4614A>C (p.Glu1538Asp)

Gene: PCNT (pericentrin; plus strand). Cytogenetic location: 21q22.3.
Variant type: single nucleotide variant.
Coding change: c.4614A>C on transcript NM_006031.6 (MANE Select); coding-DNA position 4614, A replaced by C.
Protein change: p.Glu1538Asp; replaces glutamic acid 1538 with aspartic acid.
Molecular consequence: missense variant.
Genome position (GRCh38, 1-based): chr21:46,399,619, A>C. VCF-style: chr21-46399619-A-C. GRCh37 (hg19) VCF-style: chr21-47819533-A-C.
Other names: c.4260A>C, p.Glu1420Asp (NM_001315529.2); short protein forms E1420D, E1538D.
Identifiers: ClinVar variation 3353317 (VCV003353317.1).
Genomic context (GRCh38, chr21:46,399,619, plus strand): 5'-TGTATTCCTCAAGCATTTTTTGTTGTTTTAGGTTGAGTTGTTACAACAAAAGTTGAGAGA[A>C]AAGTTGGATGAATTTAATGAATTGGCTATACAGAAAGAGTCGGCAGATAGACAAGTGTTA-3'
Protein context (NP_006022.3, residues 1528-1548): EVELLQQKLR[Glu1538Asp]KLDEFNELAI

ClinVar aggregate classification (germline): Uncertain significance (0 of 4 stars; one submission).

Conditions:
PCNT-related disorder. Also called: PCNT-related condition.

gnomAD v4.1: 8 of 1,613,744 alleles (0.0005%); highest among the groups gnomAD compares: Non-Finnish European, 0.00068%; no homozygotes.

Submission:

PreventionGenetics, part of Exact Sciences
Classification: Uncertain significance for PCNT-related condition. Last evaluated: 2023-11-13. Review status: no assertion criteria provided. Collection method: clinical testing. Allele origin: germline.
Comment: The PCNT c.4614A>C variant is predicted to result in the amino acid substitution p.Glu1538Asp. To our knowledge, this variant has not been reported in the literature or in a large population database, indicating this variant is rare. At this time, the clinical significance of this variant is uncertain due to the absence of conclusive functional and genetic evidence.